The following is an entry in ClinVar:

NM_000629.3(IFNAR1):c.1441-3T>G

Gene: IFNAR1 (interferon alpha and beta receptor subunit 1; plus strand). Cytogenetic location: 21q22.11.
Variant type: single nucleotide variant.
Coding change: c.1441-3T>G on transcript NM_000629.3 (MANE Select); 3 bases into the intron before coding-DNA position 1441, T replaced by G.
Molecular consequence: intron variant.
Genome position (GRCh38, 1-based): chr21:33,355,313, T>G. VCF-style: chr21-33355313-T-G. GRCh37 (hg19) VCF-style: chr21-34727619-T-G.
Other names: c.1234-3T>G (NM_001384504.1); c.679-3T>G (NM_001384500.1); c.1441-3T>G (NM_001384498.1); c.1441-18T>G (NM_001384503.1); c.1295-3T>G (NM_001384499.1); c.1426-18T>G (NM_001384501.1); c.979-3T>G (NM_001384502.1).
Identifiers: ClinVar variation 3669148 (VCV003669148.2).
Genomic context (GRCh38, chr21:33,355,313, plus strand): 5'-TAGAAAAGGAATTTTTATTATTTTAAATAATTGATTTCTACTCTTTCCCTTTTTTTAAAT[T>G]AGTATTTCTCTGAACAGCCATTGAAGAATCTTCTGCTTTCAACTTCTGAGGAACAAATCG-3'

ClinVar aggregate classification (germline): Uncertain significance (1 of 4 stars; one submission).

gnomAD v4.1: 3 of 1,382,880 alleles (0.00022%); highest among the groups gnomAD compares: Non-Finnish European, 0.0003%; no homozygotes.

Submission:

Labcorp Genetics (formerly Invitae), Labcorp
Classification: Uncertain significance. Last evaluated: 2024-07-09. Review status: criteria provided, single submitter. Criteria: Invitae Variant Classification Sherloc (09022015). Collection method: clinical testing. Allele origin: germline.
Comment: This sequence change falls in intron 10 of the IFNAR1 gene. It does not directly change the encoded amino acid sequence of the IFNAR1 protein. It affects a nucleotide within the consensus splice site. This variant is not present in population databases (gnomAD no frequency). This variant has not been reported in the literature in individuals affected with IFNAR1-related conditions. Variants that disrupt the consensus splice site are a relatively common cause of aberrant splicing (PMID: 17576681, 9536098). Algorithms developed to predict the effect of sequence changes on RNA splicing suggest that this variant may disrupt the consensus splice site. In summary, the available evidence is currently insufficient to determine the role of this variant in disease. Therefore, it has been classified as a Variant of Uncertain Significance.

Literature cited by the submitters: PubMed 17576681; PubMed 9536098.